The following is an entry in ClinVar:

NM_014625.4(NPHS2):c.692T>G (p.Leu231Arg)

Gene: NPHS2 (NPHS2 stomatin family member, podocin; minus strand). Cytogenetic location: 1q25.2.
Variant type: single nucleotide variant.
Coding change: c.692T>G on transcript NM_014625.4 (MANE Select); coding-DNA position 692, T replaced by G.
Protein change: p.Leu231Arg; replaces leucine 231 with arginine.
Molecular consequence: missense variant. On other transcripts: intron variant (1).
Genome position (GRCh38, 1-based): chr1:179,557,073, A>C on the plus strand (T>G on the coding strand, the complement: NPHS2 is on the minus strand). VCF-style: chr1-179557073-A-C. GRCh37 (hg19) VCF-style: chr1-179526208-A-C.
Other names: c.535-2542T>G (NM_001297575.2); short protein forms L231R.
Identifiers: ClinVar variation 4814147 (VCV004814147.1).
Genomic context (GRCh38, chr1:179,557,073, plus strand): 5'-GTTTATCTAAGTACCTTTGCATCTTGGGCGATGCTCTTCCTCTCTAGAAGAATTTCAGTG[A>C]GGGATCGATGTGCTAGGAGACGCTTCATAGTGGTTTGCACAAGGAATTGCACAGCTTTAG-3'
Protein context (NP_055440.1, residues 221-241): TMKRLLAHRS[Leu231Arg]TEILLERKSI

ClinVar aggregate classification (germline): Uncertain significance (1 of 4 stars; one submission).

Conditions:
Nephrotic syndrome, type 2 (NPHS2). Also called: NEPHROTIC SYNDROME, STEROID-RESISTANT, AUTOSOMAL RECESSIVE. Identifiers: Orphanet 656, MedGen C1868672, MONDO:0010974, OMIM 600995.

Submission:

OLLIN Analises Genomicas, OLLIN
Classification: Uncertain significance for Nephrotic syndrome, type 2. Last evaluated: 2025-06-23. Review status: criteria provided, single submitter. Criteria: ACMG Guidelines 2015 PMID 25741868. Collection method: clinical testing. Allele origin: germline. Affected: yes. Observed: 1 variant allele.
Comment: The missense variant (chr1:179557079C>T), located in exon 5 (of 8) and absent in ClinVar, is reported in gnomAD v4.1 non-UKB with an allele frequency of 3.26%, and in the scientific literature, in compound heterozygosity and segregating with the phenotype, in individuals with nephrotic syndrome (PMID: 12464671, 24509478, 30260545, 19145239, 20947785). However, this variant has also been detected in compound heterozygosity and homozygosity in unaffected individuals (PMID: 23800802, 19145239). In silico analysis is inconclusive regarding the impact of this variant; however, functional studies suggest that it affects protein function (PMID: 12464671, 24509478). Studies suggest that this variant, when trans with some specific variants in exons 7 and 8, is pathogenic, and that this probability of pathogenicity is less likely when trans with variants in other exons (PMID: 24509478). According to the currently available evidence, this variant has been classified as of uncertain significance (VUS) (PS3_P, PM3, PP1_M, BS1).

Literature cited by the submitters: PubMed 12464671; PubMed 24509478; PubMed 30260545; PubMed 19145239; PubMed 20947785; PubMed 23800802.